The following is an entry in ClinVar:

NM_020928.2(ZSWIM6):c.2195A>T (p.Asp732Val)

Gene: ZSWIM6 (zinc finger SWIM-type containing 6; plus strand). Cytogenetic location: 5q12.1.
Variant type: single nucleotide variant.
Coding change: c.2195A>T on transcript NM_020928.2 (MANE Select); coding-DNA position 2195, A replaced by T.
Protein change: p.Asp732Val; replaces aspartic acid 732 with valine.
Molecular consequence: missense variant.
Genome position (GRCh38, 1-based): chr5:61,531,675, A>T. VCF-style: chr5-61531675-A-T. GRCh37 (hg19) VCF-style: chr5-60827502-A-T.
Other names: short protein forms D732V.
Identifiers: ClinVar variation 3377928 (VCV003377928.1).

ClinVar aggregate classification (germline): Uncertain significance (1 of 4 stars; one submission).

Submission:

GeneDx
Classification: Uncertain significance. Last evaluated: 2024-05-15. Review status: criteria provided, single submitter. Criteria: GeneDx Variant Classification Process June 2021. Collection method: clinical testing. Allele origin: germline. Affected: yes.
Comment: Not observed at significant frequency in large population cohorts (gnomAD); In silico analysis supports that this missense variant has a deleterious effect on protein structure/function; Has not been previously published as pathogenic or benign to our knowledge